The following is an entry in ClinVar:

ClinVar aggregate classification (germline): Benign/Likely benign. Review status: criteria provided, multiple submitters, no conflicts (2 of 4 stars). 4 submissions from 4 submitters: Benign (1); Likely benign (3). Last evaluated 2024-05-31.

Conditions:
Familial cancer of breast. Also called: Hereditary breast cancer; BREAST CANCER, FAMILIAL; hereditary breast carcinoma. Identifiers: Orphanet 227535, MedGen C0346153, MONDO:0016419, OMIM 114480. Disease mechanism: loss of function.
Hereditary cancer-predisposing syndrome. Also called: Neoplastic Syndromes, Hereditary; Tumor predisposition; Hereditary Cancer Syndrome; Hereditary neoplastic syndrome. Identifiers: Orphanet 140162, MedGen C0027672, MeSH D009386, MONDO:0015356.
Ataxia-telangiectasia syndrome (AT). Also called: Ataxia telangiectasia (A-T); Ataxia-telangiectasia, complementation group D; AT, COMPLEMENTATION GROUP C; ATAXIA-TELANGIECTASIA, COMPLEMENTATION GROUP A; Ataxia-telangiectasia, complementation group E; ATAXIA-TELANGIECTASIA, FRESNO VARIANT. Identifiers: Orphanet 100, MedGen C0004135, MONDO:0008840, OMIM 208900.

Submissions (4):

Labcorp Genetics (formerly Invitae), Labcorp
Classification: Likely benign for Ataxia-telangiectasia syndrome. Last evaluated: 2024-05-31. Review status: criteria provided, single submitter. Criteria: Invitae Variant Classification Sherloc (09022015). Collection method: clinical testing. Allele origin: germline.

Myriad Genetics, Inc.
Classification: Benign for Familial cancer of breast. Last evaluated: 2024-04-22. Review status: criteria provided, single submitter. Criteria: Myriad Autosomal Dominant, Autosomal Recessive and X-Linked Classification Criteria (2023). Collection method: clinical testing. Allele origin: unknown.
Comment: This variant is considered benign. This variant is a silent/synonymous amino acid change and it is not expected to impact splicing.

Color Diagnostics, LLC DBA Color Health
Classification: Likely benign for Hereditary cancer-predisposing syndrome. Last evaluated: 2021-10-13. Review status: criteria provided, single submitter. Criteria: ACMG Guidelines, 2015. Collection method: clinical testing. Allele origin: germline.

Ambry Genetics
Classification: Likely benign for Hereditary cancer-predisposing syndrome. Last evaluated: 2019-03-07. Review status: criteria provided, single submitter. Criteria: Ambry Variant Classification Scheme 2023. Collection method: clinical testing. Allele origin: germline.

NM_000051.4(ATM):c.630G>A (p.Leu210=)

Gene: ATM (ATM serine/threonine kinase; plus strand). Cytogenetic location: 11q22.3.
Variant type: single nucleotide variant.
Coding change: c.630G>A on transcript NM_000051.4 (MANE Select); coding-DNA position 630, G replaced by A.
Protein change: p.Leu210=; no amino-acid change (leucine 210 retained).
Molecular consequence: synonymous variant.
Genome position (GRCh38, 1-based): chr11:108,244,086, G>A. VCF-style: chr11-108244086-G-A. GRCh37 (hg19) VCF-style: chr11-108114813-G-A.
Other names: c.630G>A, p.Leu210= (NM_001351834.2).
Identifiers: ClinVar variation 565833 (VCV000565833.16), dbSNP rs1565369739, ClinGen allele CA476671472.